The following is an entry in ClinVar:

ClinVar aggregate classification (germline): Pathogenic. Review status: criteria provided, multiple submitters, no conflicts (2 of 4 stars). 9 submissions from 9 submitters: Pathogenic (9). Last evaluated 2026-07-22.

Conditions:
Hereditary cancer-predisposing syndrome. Also called: Neoplastic Syndromes, Hereditary; Hereditary neoplastic syndrome; Hereditary Cancer Syndrome; Tumor predisposition. Identifiers: Orphanet 140162, MedGen C0027672, MeSH D009386, MONDO:0015356.
Cardiovascular phenotype. Identifiers: MedGen CN230736.
Neurofibromatosis, type 1 (NF1). Also called: VON RECKLINGHAUSEN DISEASE; Neurofibromatosis, type I; Peripheral type neurofibromatosis; NEUROFIBROMATOSIS, TYPE I, SOMATIC. Identifiers: Orphanet 636, MedGen C0027831, MONDO:0018975, OMIM 162200. Disease mechanism: loss of function.

Allele frequency attached by ClinVar (database versions not stated): gnomAD exomes below 0.00001.
gnomAD v4.1: 1 of 1,614,010 alleles (0.000062%); highest among the groups gnomAD compares: South Asian, 0.0011%; no homozygotes.

Submissions (9):

Ambry Genetics
Classification: Pathogenic for Cardiovascular phenotype; Hereditary cancer-predisposing syndrome. Last evaluated: 2026-07-22. Review status: criteria provided, single submitter. Criteria: Ambry Variant Classification Scheme 2023. Collection method: clinical testing. Allele origin: germline.
Comment: The p.W267* pathogenic mutation (also known as c.801G>A), located in coding exon 8 of the NF1 gene, results from a G to A substitution at nucleotide position 801. This changes the amino acid from a tryptophan to a stop codon within coding exon 8. This variant was reported in individual(s) with features consistent with neurofibromatosis type 1 (NF1) (Gasparini P et al. Hum. Genet., 1996 Apr;97:492-5; Wiest V et al. Hum. Mutat., 2003 Dec;22:423-7). This variant is considered to be rare based on population cohorts in the Genome Aggregation Database (gnomAD). This alteration is expected to result in loss of function by premature protein truncation or nonsense-mediated mRNA decay. As such, this alteration is interpreted as a disease-causing mutation.

Labcorp Genetics (formerly Invitae), Labcorp
Classification: Pathogenic for Neurofibromatosis, type 1. Last evaluated: 2025-09-30. Review status: criteria provided, single submitter. Criteria: Invitae Variant Classification Sherloc (09022015). Collection method: clinical testing. Allele origin: germline.
Comment: This sequence change creates a premature translational stop signal (p.Trp267*) in the NF1 gene. It is expected to result in an absent or disrupted protein product. Loss-of-function variants in NF1 are known to be pathogenic (PMID: 10712197, 23913538). This variant is not present in population databases (gnomAD no frequency). This premature translational stop signal has been observed in individuals with neurofibromatosis type 1 (PMID: 8834249, 10712197, 14635100). It has also been observed to segregate with disease in related individuals. Invitae Evidence Modeling of clinical and family history, age, sex, and reported ancestry of multiple individuals with this NF1 variant has been performed. This variant is expected to be pathogenic with a positive predictive value of at least 99%. This is a validated machine learning model that incorporates the clinical features of 1,785,918 individuals referred to our laboratory for NF1 testing. ClinVar contains an entry for this variant (Variation ID: 420075). For these reasons, this variant has been classified as Pathogenic.

GeneDx
Classification: Pathogenic. Last evaluated: 2024-06-05. Review status: criteria provided, single submitter. Criteria: GeneDx Variant Classification Process June 2021. Collection method: clinical testing. Allele origin: germline. Affected: yes.
Comment: Nonsense variant predicted to result in protein truncation or nonsense mediated decay in a gene for which loss-of-function is a known mechanism of disease; Not observed in large population cohorts (gnomAD); This variant is associated with the following publications: (PMID: 25525159, 10712197, 8834249, 23913538, 31730495, 33084842)

Quest Diagnostics Nichols Institute San Juan Capistrano
Classification: Pathogenic. Last evaluated: 2024-01-15. Review status: criteria provided, single submitter. Criteria: Quest Diagnostics criteria. Collection method: clinical testing. Allele origin: unknown.
Comment: The NF1 c.801G>A (p.Trp267*) variant causes the premature termination of NF1 protein synthesis. This variant has been reported in the published literature in multiple individuals with neurofibromatosis 1 (NF1) (PMIDs: 23913538 (2013), 22155606 (2011), 10712197 (2000), 8834249 (1996)). This variant has not been reported in large, multi-ethnic general populations (Genome Aggregation Database). Based on the available information, this variant is classified as pathogenic.

Clinical Genomics Laboratory, Washington University in St. Louis
Classification: Pathogenic for Neurofibromatosis, type 1. Last evaluated: 2023-07-25. Review status: criteria provided, single submitter. Criteria: ACMG Guidelines, 2015. Collection method: clinical testing. Allele origin: somatic. Affected: yes.
Comment: An NF1 c.801G>A (p.Trp267Ter) variant was identified at an allelic fraction consistent with somatic origin. This variant has been previously reported in at least five individuals affected with neurofibromatosis type 1 (Gasparini P et al., PMID: 8834249; Fahsold R et al., PMID: 10712197; Wiest V et al., PMID: 14635100). The NF1 c.801G>A (p.Trp267Ter) variant has been reported in the ClinVar database as a pathogenic variant by multiple submitters (ClinVar Variation ID: 420075), and it has been reported in four cases in the cancer database COSMIC. This variant is absent from the general population (gnomAD v.2.1.1), indicating it is not a common variant. The NF1 c.801G>A (p.Trp267Ter) variant introduces a premature termination codon, resulting in a transcript that is predicted to undergo nonsense-mediated decay. Based on an internally-developed protocol informed by the ACMG/AMP guidelines (Richards S et al., PMID: 25741868) and gene-specific practices from the ClinGen Criteria Specification Registry, the NF1 c.801G>A (p.Trp267Ter) variant is classified as pathogenic.

Victorian Clinical Genetics Services, Murdoch Childrens Research Institute
Classification: Pathogenic for Neurofibromatosis, type 1. Last evaluated: 2023-07-17. Review status: criteria provided, single submitter. Criteria: ACMG Guidelines, 2015. Collection method: clinical testing. Allele origin: germline. Inheritance: Autosomal dominant inheritance. Affected: yes.
Comment: Based on the classification scheme VCGS_Germline_v1.3.4, this variant is classified as Pathogenic. Following criteria are met: 0102 - Loss of function is a known mechanism of disease in this gene and is associated juvenile myelomonocytic leukemia (MIM#607785), familial spinal neurofibromatosis (MIM#162210), neurofibromatosis type 1 (MIM#162200), neurofibromatosis-Noonan syndrome (MIM#601321) and Watson syndrome (MIM#193520). (I) 0107 - This gene is associated with autosomal dominant disease. (I) 0115 - Variants in this gene are known to have variable expressivity. Disease manifestation can be extremely variable, even within a family (GeneReviews). (I) 0201 - Variant is predicted to cause nonsense-mediated decay (NMD) and loss of protein (premature termination codon is located at least 54 nucleotides upstream of the final exon-exon junction). (SP) 0251 - This variant is heterozygous. (I) 0301 - Variant is absent from gnomAD (both v2 and v3). (SP) 0701 - Other NMD-predicted variants comparable to the one identified in this case have very strong previous evidence for pathogenicity. These variants have been classified as likely pathogenic or pathogenic (DECIPHER). (SP) 0801 - This variant has very strong previous evidence of pathogenicity in unrelated individuals. This variant has been classified as pathogenic by multiple clinical diagnostic laboratories and has been reported in multiple unrelated individuals with neurofibromatosis type 1 (ClinVar). (SP) Legend: (SP) - Supporting pathogenic, (I) - Information, (SB) - Supporting benign

Genome-Nilou Lab
Classification: Pathogenic for Neurofibromatosis, type 1. Last evaluated: 2022-03-15. Review status: criteria provided, single submitter. Criteria: ACMG Guidelines, 2015. Collection method: clinical testing. Allele origin: germline. Affected: no.

Genome Diagnostics Laboratory, The Hospital for Sick Children
Classification: Pathogenic for Neurofibromatosis, type 1. Last evaluated: 2020-10-26. Review status: criteria provided, single submitter. Criteria: ACMG Guidelines, 2015. Collection method: clinical testing. Allele origin: germline. Affected: yes.

ARUP Laboratories, Molecular Genetics and Genomics, ARUP Laboratories
Classification: Pathogenic. Last evaluated: 2018-11-30. Review status: criteria provided, single submitter. Criteria: ARUP Molecular Germline Variant Investigation Process. Collection method: clinical testing. Allele origin: germline.
Comment: The NF1 c.801G>A; p.Trp267Ter variant is reported in the literature in multiple patients with neurofibromatosis 1 (Gasparini 1996, Fahsold 2000, Wiest 2003, Maertens 2006, Laycock-van Spyk 2011, Sabbagh 2013). This variant is absent from general population databases (Exome Variant Server, Genome Aggregation Database), indicating it is not a common polymorphism. The p.Trp267Ter variant is listed in ClinVar (ClinVar ID 420075). This variant induces an early termination codon and is predicted to result in a truncated protein or mRNA subject to nonsense-mediated decay. Based on available information, the p.Trp267Ter variant is considered to be pathogenic.

Literature cited by the submitters: PubMed 14635100 (cited by Ambry Genetics and Labcorp Genetics (formerly Invitae), Labcorp); PubMed 8834249 (cited by 3 submitters); PubMed 10712197 (cited by Labcorp Genetics (formerly Invitae), Labcorp and Quest Diagnostics Nichols Institute San Juan Capistrano); PubMed 23913538 (cited by Labcorp Genetics (formerly Invitae), Labcorp and Quest Diagnostics Nichols Institute San Juan Capistrano); PubMed 22155606 (cited by Quest Diagnostics Nichols Institute San Juan Capistrano).

NM_001042492.3(NF1):c.801G>A (p.Trp267Ter)

Gene: NF1 (neurofibromin 1; plus strand). Cytogenetic location: 17q11.2.
Variant type: single nucleotide variant.
Coding change: c.801G>A on transcript NM_001042492.3 (MANE Select); coding-DNA position 801, G replaced by A.
Protein change: p.Trp267Ter; replaces tryptophan 267 with a stop codon.
Molecular consequence: nonsense.
Genome position (GRCh38, 1-based): chr17:31,182,578, G>A. VCF-style: chr17-31182578-G-A. GRCh37 (hg19) VCF-style: chr17-29509596-G-A.
Other names: c.801G>A, p.Trp267Ter (NM_000267.4, NM_001128147.3); short protein forms W267*.
Identifiers: ClinVar variation 420075 (VCV000420075.30), dbSNP rs1064794273, ClinGen allele CA16620355.